The following is an entry in ClinVar:

NM_007254.4(PNKP):c.1116_1123del (p.Phe373fs)

Gene: PNKP (polynucleotide kinase 3'-phosphatase; minus strand). Cytogenetic location: 19q13.33.
Variant type: Deletion.
Coding change: c.1116_1123del on transcript NM_007254.4 (MANE Select); coding-DNA positions 1116 to 1123, 8 bases deleted (ATTCCCTG; older notation c.1116_1123delATTCCCTG).
Protein change: p.Phe373fs; shifts the reading frame from phenylalanine 373.
Molecular consequence: frameshift variant.
Genome position (GRCh38, 1-based): chr19:49,862,188-49,862,195, CAGGGAAT deleted on the plus strand (ATTCCCTG on the coding strand, the reverse complement: PNKP is on the minus strand); deleting any 8 consecutive bases within chr19:49,862,188-49,862,196 gives the same sequence; the c. name uses the placement nearest the transcript's 3' end. VCF-style (leftmost placement, unchanged base first): chr19-49862187-CCAGGGAAT-C. GRCh37 (hg19) VCF-style: chr19-50365444-CCAGGGAAT-C.
Other names: c.1116_1123delATTCCCTG (NM_007254.4); short protein forms F373fs.
Identifiers: ClinVar variation 4688919 (VCV004688919.1).

ClinVar aggregate classification (germline): Pathogenic (1 of 4 stars; one submission).

Conditions:
Ataxia - oculomotor apraxia type 4. Identifiers: Orphanet 459033, MedGen C4225397, MONDO:0014557, OMIM 616267.

Submission:

Women's Health and Genetics/Laboratory Corporation of America, LabCorp
Classification: Pathogenic for Ataxia - oculomotor apraxia type 4. Last evaluated: 2025-12-22. Review status: criteria provided, single submitter. Criteria: LabCorp Variant Classification Summary - May 2015. Collection method: clinical testing. Allele origin: germline.
Comment: Variant summary: PNKP c.1116_1123delATTCCCTG (p.Phe373GlyfsX35) results in a premature termination codon, predicted to cause a truncation of the encoded protein or absence of the protein due to nonsense mediated decay, which are commonly known mechanisms for disease. The variant was absent in 250276 control chromosomes. To our knowledge, no occurrence of c.1116_1123delATTCCCTG in individuals affected with PNKP-related conditions and no experimental evidence demonstrating its impact on protein function have been reported. No submitters have cited clinical-significance assessments for this variant to ClinVar. Based on the evidence outlined above, the variant was classified as pathogenic.